The following is an entry in ClinVar:

NM_001378454.1(ALMS1):c.12356C>G (p.Ser4119Cys)

Gene: ALMS1 (ALMS1 centrosome and basal body associated protein; plus strand). Cytogenetic location: 2p13.1.
Variant type: single nucleotide variant.
Coding change: c.12356C>G on transcript NM_001378454.1 (MANE Select); coding-DNA position 12356, C replaced by G.
Protein change: p.Ser4119Cys; replaces serine 4119 with cysteine.
Molecular consequence: missense variant.
Genome position (GRCh38, 1-based): chr2:73,603,298, C>G. VCF-style: chr2-73603298-C-G. GRCh37 (hg19) VCF-style: chr2-73830425-C-G.
Other names: c.12359C>G, p.Ser4120Cys (NM_015120.4); short protein forms S4119C, S4120C.
Identifiers: ClinVar variation 1756603 (VCV001756603.2), dbSNP rs2466529804, ClinGen allele CA347271687.

ClinVar aggregate classification (germline): Uncertain significance (1 of 4 stars; one submission).

Conditions:
Cardiovascular phenotype. Identifiers: MedGen CN230736.

Submission:

Ambry Genetics
Classification: Uncertain significance for Cardiovascular phenotype. Last evaluated: 2021-03-30. Review status: criteria provided, single submitter. Criteria: Ambry Variant Classification Scheme 2023. Collection method: clinical testing. Allele origin: germline.
Comment: The p.S4120C variant (also known as c.12359C>G), located in coding exon 21 of the ALMS1 gene, results from a C to G substitution at nucleotide position 12359. The serine at codon 4120 is replaced by cysteine, an amino acid with dissimilar properties. This amino acid position is well conserved in available vertebrate species. In addition, the in silico prediction for this alteration is inconclusive. Since supporting evidence is limited at this time, the clinical significance of this alteration remains unclear.